The following is an entry in ClinVar:

NM_014501.3(UBE2S):c.624G>A (p.Ala208=)

Genes: RPL28 (ribosomal protein L28; plus strand), UBE2S (ubiquitin conjugating enzyme E2 S; minus strand). Cytogenetic location: 19q13.42.
Variant type: single nucleotide variant.
Coding change: c.624G>A on transcript NM_014501.3 (MANE Select); coding-DNA position 624, G replaced by A.
Protein change: p.Ala208=; no amino-acid change (alanine 208 retained).
Molecular consequence: synonymous variant. On other transcripts: intron variant (1).
Genome position (GRCh38, 1-based): chr19:55,401,481, C>T on the plus strand (G>A on the coding strand, the complement: UBE2S is on the minus strand). VCF-style: chr19-55401481-C-T. GRCh37 (hg19) VCF-style: chr19-55912849-C-T.
Other names: c.325-1462C>T (NM_001363697.1).
Identifiers: ClinVar variation 2672791 (VCV002672791.22), dbSNP rs370235477, ClinGen allele CA9674909.

ClinVar aggregate classification (germline): Likely benign. Review status: criteria provided, multiple submitters, no conflicts (2 of 4 stars). 2 submissions from 2 submitters: Likely benign (2). Last evaluated 2024-01-04.

Allele frequency attached by ClinVar (database versions not stated): ESP Exome Variant Server 0.00010; gnomAD 0.00011; gnomAD exomes 0.00002; ExAC 0.00006; TOPMed 0.00012.
gnomAD v4.1: 43 of 1,608,410 alleles (0.0027%); highest among the groups gnomAD compares: African/African-American, 0.019%; 1 homozygote.

Submissions (2):

Ambry Genetics
Classification: Likely benign. Last evaluated: 2024-01-04. Review status: criteria provided, single submitter. Criteria: Ambry Variant Classification Scheme 2023. Collection method: clinical testing. Allele origin: germline.

CeGaT Center for Human Genetics Tuebingen
Classification: Likely benign. Last evaluated: 2023-11-01. Review status: criteria provided, single submitter. Criteria: CeGaT Center For Human Genetics Tuebingen Variant Classification Criteria Version 2. Collection method: clinical testing. Allele origin: germline. Affected: yes. Observed: 1 variant allele.
Comment: UBE2S: BP4, BP7